The following is an entry in ClinVar:

ClinVar aggregate classification (germline): Uncertain significance (1 of 4 stars; one submission).

Conditions:
Inborn genetic diseases. Identifiers: MedGen C0950123, MeSH D030342.

Submission:

Ambry Genetics
Classification: Uncertain significance for Inborn genetic diseases. Last evaluated: 2025-03-02. Review status: criteria provided, single submitter. Criteria: Ambry Variant Classification Scheme 2023. Collection method: clinical testing. Allele origin: germline.
Comment: The p.E673D variant (also known as c.2019G>T), located in coding exon 14 of the ERCC6L2 gene, results from a G to T substitution at nucleotide position 2019. The glutamic acid at codon 673 is replaced by aspartic acid, an amino acid with highly similar properties. This amino acid position is conserved. In addition, the in silico prediction for this alteration is inconclusive. Based on the available evidence, the clinical significance of this variant remains unclear.

NM_020207.7(ERCC6L2):c.2019G>T (p.Glu673Asp)

Gene: ERCC6L2 (ERCC excision repair 6 like 2; plus strand). Cytogenetic location: 9q22.32.
Variant type: single nucleotide variant.
Coding change: c.2019G>T on transcript NM_020207.7 (MANE Select); coding-DNA position 2019, G replaced by T.
Protein change: p.Glu673Asp; replaces glutamic acid 673 with aspartic acid.
Molecular consequence: missense variant. On other transcripts: non-coding transcript variant (1).
Genome position (GRCh38, 1-based): chr9:95,966,633, G>T. VCF-style: chr9-95966633-G-T. GRCh37 (hg19) VCF-style: chr9-98728915-G-T.
Other names: c.2019G>T, p.Glu673Asp (NM_001010895.4, NM_001375291.1, NM_001375292.1 and 2 more transcripts); short protein forms E673D.
Identifiers: ClinVar variation 3845975 (VCV003845975.1).